The following is an entry in ClinVar:

NM_004104.5(FASN):c.3292C>A (p.His1098Asn)

Gene: FASN (fatty acid synthase; minus strand). Cytogenetic location: 17q25.3.
Variant type: single nucleotide variant.
Coding change: c.3292C>A on transcript NM_004104.5 (MANE Select); coding-DNA position 3292, C replaced by A.
Protein change: p.His1098Asn; replaces histidine 1098 with asparagine.
Molecular consequence: missense variant.
Genome position (GRCh38, 1-based): chr17:82,087,185, G>T on the plus strand (C>A on the coding strand, the complement: FASN is on the minus strand). VCF-style: chr17-82087185-G-T. GRCh37 (hg19) VCF-style: chr17-80045061-G-T.
Other names: short protein forms H1098N.
Identifiers: ClinVar variation 1473165 (VCV001473165.6), dbSNP rs2034119895, ClinGen allele CA401553316.

ClinVar aggregate classification (germline): Uncertain significance (1 of 4 stars; one submission).

Conditions:
Epileptic encephalopathy. Identifiers: MedGen C0543888, HP:0200134.

Submission:

Labcorp Genetics (formerly Invitae), Labcorp
Classification: Uncertain significance for Epileptic encephalopathy. Last evaluated: 2021-08-14. Review status: criteria provided, single submitter. Criteria: Invitae Variant Classification Sherloc (09022015). Collection method: clinical testing. Allele origin: germline.
Comment: In summary, the available evidence is currently insufficient to determine the role of this variant in disease. Therefore, it has been classified as a Variant of Uncertain Significance. Algorithms developed to predict the effect of missense changes on protein structure and function (SIFT, PolyPhen-2, Align-GVGD) all suggest that this variant is likely to be tolerated. This variant has not been reported in the literature in individuals affected with FASN-related conditions. This variant is not present in population databases (ExAC no frequency). This sequence change replaces histidine with asparagine at codon 1098 of the FASN protein (p.His1098Asn). The histidine residue is moderately conserved and there is a small physicochemical difference between histidine and asparagine.